The following is an entry in ClinVar:

ClinVar aggregate classification (germline): Uncertain significance (1 of 4 stars; one submission).

Conditions:
Gnathodiaphyseal dysplasia (GDD). Also called: GNATHODIAPHYSEAL SCLEROSIS; OSTEOGENESIS IMPERFECTA WITH UNUSUAL SKELETAL LESIONS. Identifiers: Orphanet 53697, MedGen C1833736, MONDO:0008151, OMIM 166260.
Autosomal recessive limb-girdle muscular dystrophy type 2L (LGMDR12). Also called: Limb-Girdle Muscular Dystrophy R12 Anoctamin-5-Related (LGMD-R12); Limb-girdle muscular dystrophy, type 2L; MUSCULAR DYSTROPHY, LIMB-GIRDLE, AUTOSOMAL RECESSIVE 12. Identifiers: Orphanet 206549, MedGen C1969785, MONDO:0012652, OMIM 611307.

Allele frequency attached by ClinVar (database versions not stated): gnomAD exomes below 0.00001.
gnomAD v4.1: 1 of 1,613,398 alleles (0.000062%); highest among the groups gnomAD compares: Non-Finnish European, 0.000085%; no homozygotes.

Submission:

Labcorp Genetics (formerly Invitae), Labcorp
Classification: Uncertain significance for Autosomal recessive limb-girdle muscular dystrophy type 2L; Gnathodiaphyseal dysplasia. Last evaluated: 2022-02-09. Review status: criteria provided, single submitter. Criteria: Invitae Variant Classification Sherloc (09022015). Collection method: clinical testing. Allele origin: germline.
Comment: This sequence change replaces valine, which is neutral and non-polar, with leucine, which is neutral and non-polar, at codon 141 of the ANO5 protein (p.Val141Leu). This variant is not present in population databases (gnomAD no frequency). This variant has not been reported in the literature in individuals affected with ANO5-related conditions. Advanced modeling of protein sequence and biophysical properties (such as structural, functional, and spatial information, amino acid conservation, physicochemical variation, residue mobility, and thermodynamic stability) performed at Invitae indicates that this missense variant is not expected to disrupt ANO5 protein function. In summary, the available evidence is currently insufficient to determine the role of this variant in disease. Therefore, it has been classified as a Variant of Uncertain Significance.

NM_213599.3(ANO5):c.421G>C (p.Val141Leu)

Gene: ANO5 (anoctamin 5; plus strand). Cytogenetic location: 11p14.3.
Variant type: single nucleotide variant.
Coding change: c.421G>C on transcript NM_213599.3 (MANE Select); coding-DNA position 421, G replaced by C.
Protein change: p.Val141Leu; replaces valine 141 with leucine.
Molecular consequence: missense variant.
Genome position (GRCh38, 1-based): chr11:22,227,359, G>C. VCF-style: chr11-22227359-G-C. GRCh37 (hg19) VCF-style: chr11-22248905-G-C.
Other names: c.418G>C, p.Val140Leu (NM_001142649.2); short protein forms V141L, V140L.
Identifiers: ClinVar variation 1519792 (VCV001519792.6), dbSNP rs2133611690, ClinGen allele CA379919490.